The following is an entry in ClinVar:

NM_015072.5(TTLL5):c.1048T>C (p.Tyr350His)

Gene: TTLL5 (tubulin tyrosine ligase like 5; plus strand). Cytogenetic location: 14q24.3.
Variant type: single nucleotide variant.
Coding change: c.1048T>C on transcript NM_015072.5 (MANE Select); coding-DNA position 1048, T replaced by C.
Protein change: p.Tyr350His; replaces tyrosine 350 with histidine.
Molecular consequence: missense variant.
Genome position (GRCh38, 1-based): chr14:75,732,343, T>C. VCF-style: chr14-75732343-T-C. GRCh37 (hg19) VCF-style: chr14-76198686-T-C.
Other names: short protein forms Y350H.
Identifiers: ClinVar variation 1395416 (VCV001395416.6), dbSNP rs1888599962, ClinGen allele CA390460998.

ClinVar aggregate classification (germline): Uncertain significance (1 of 4 stars; one submission).

Submission:

Labcorp Genetics (formerly Invitae), Labcorp
Classification: Uncertain significance. Last evaluated: 2025-06-12. Review status: criteria provided, single submitter. Criteria: Invitae Variant Classification Sherloc (09022015). Collection method: clinical testing. Allele origin: germline.
Comment: This sequence change replaces tyrosine, which is neutral and polar, with histidine, which is basic and polar, at codon 350 of the TTLL5 protein (p.Tyr350His). This variant is not present in population databases (gnomAD no frequency). This variant has not been reported in the literature in individuals affected with TTLL5-related conditions. ClinVar contains an entry for this variant (Variation ID: 1395416). Invitae Evidence Modeling of protein sequence and biophysical properties (such as structural, functional, and spatial information, amino acid conservation, physicochemical variation, residue mobility, and thermodynamic stability) has been performed for this missense variant. However, the output from this modeling did not meet the statistical confidence thresholds required to predict the impact of this variant on TTLL5 protein function. In summary, the available evidence is currently insufficient to determine the role of this variant in disease. Therefore, it has been classified as a Variant of Uncertain Significance.